The following is an entry in ClinVar:

NM_198904.4(GABRG2):c.1152+3_1152+9dup

Gene: GABRG2 (gamma-aminobutyric acid type A receptor subunit gamma2; plus strand). Cytogenetic location: 5q34.
Variant type: Duplication.
Coding change: c.1152+3_1152+9dup on transcript NM_198904.4 (MANE Select); bases 3 to 9 of the intron after coding-DNA position 1152, 7 bases duplicated (ATAATGT; older notation c.1152+3_1152+9dupATAATGT).
Molecular consequence: splice donor variant. On other transcripts: intron variant (6).
Genome position (GRCh38, 1-based): chr5:162,151,756-162,151,762, ATAATGT duplicated; duplicating any 7 consecutive bases within chr5:162,151,754-162,151,762 gives the same sequence; the c. name uses the placement nearest the transcript's 3' end. VCF-style (leftmost placement, unchanged base first): chr5-162151753-G-GGTATAAT. GRCh37 (hg19) VCF-style: chr5-161578759-G-GGTATAAT.
Other names: c.844-1337_844-1331dup (NM_001375349.1); c.1249-1337_1249-1331dup (NM_001375343.1); c.1191+3_1191+9dup (NM_001375344.1); c.946+3_946+9dup (NM_001375340.1); c.1149+3_1149+9dup (NM_001375341.1); c.1126-1337_1126-1331dup (NM_001375342.1); c.732+3_732+9dup (NM_001375350.1); c.709-1337_709-1331dup (NM_001375348.1); and 7 more.
Identifiers: ClinVar variation 1804865 (VCV001804865.1), dbSNP rs1351567516, ClinGen allele CA806667325.

ClinVar aggregate classification (germline): Uncertain significance (1 of 4 stars; one submission).

Submission:

Women's Health and Genetics/Laboratory Corporation of America, LabCorp
Classification: Uncertain significance. Last evaluated: 2022-11-10. Review status: criteria provided, single submitter. Criteria: LabCorp Variant Classification Summary - May 2015. Collection method: clinical testing. Allele origin: germline.
Comment: Variant summary: GABRG2 c.1272+3_1272+9dupATAATGT alters several nucleotides located close to a canonical splice site and therefore could affect mRNA splicing, leading to a significantly altered protein sequence. 4/4 computational tools predict no significant impact on normal splicing. However, these predictions have yet to be confirmed by functional studies. The variant was absent in 250668 control chromosomes (gnomAD). The available data on variant occurrences in the general population are insufficient to allow any conclusion about variant significance. To our knowledge, no occurrence of c.1272+3_1272+9dupATAATGT in individuals affected with Developmental And Epileptic Encephalopathy, 74 and no experimental evidence demonstrating its impact on protein function have been reported. No clinical diagnostic laboratories have submitted clinical-significance assessments for this variant to ClinVar after 2014. Based on the evidence outlined above, the variant was classified as uncertain significance.